The following is an entry in ClinVar:

NM_000380.4(XPA):c.253C>T (p.Gln85Ter)

Gene: XPA (XPA, DNA damage recognition and repair factor; minus strand). Cytogenetic location: 9q22.33.
Variant type: single nucleotide variant.
Coding change: c.253C>T on transcript NM_000380.4 (MANE Select); coding-DNA position 253, C replaced by T.
Protein change: p.Gln85Ter; replaces glutamine 85 with a stop codon.
Molecular consequence: nonsense. On other transcripts: non-coding transcript variant (5).
Genome position (GRCh38, 1-based): chr9:97,693,679, G>A on the plus strand (C>T on the coding strand, the complement: XPA is on the minus strand). VCF-style: chr9-97693679-G-A. GRCh37 (hg19) VCF-style: chr9-100455961-G-A.
Other names: c.127C>T, p.Gln43Ter (NM_001354975.2); short protein forms Q43*, Q85*.
Identifiers: ClinVar variation 1193397 (VCV001193397.2), dbSNP rs765361885, ClinGen allele CA374188027.

ClinVar aggregate classification (germline): Pathogenic (1 of 4 stars; one submission).

Submission:

GeneDx
Classification: Pathogenic. Last evaluated: 2020-08-12. Review status: criteria provided, single submitter. Criteria: GeneDx Variant Classification Process June 2021. Collection method: clinical testing. Allele origin: germline. Affected: yes.
Comment: Nonsense variant predicted to result in protein truncation or nonsense mediated decay in a gene for which loss-of-function is a known mechanism of disease; Not observed in large population cohorts (Lek et al., 2016); This variant is associated with the following publications: (PMID: 26743599, 26884178)